The following is an entry in ClinVar:

NM_001897.5(CSPG4):c.2106C>T (p.Arg702=)

Gene: CSPG4 (chondroitin sulfate proteoglycan 4; minus strand). Cytogenetic location: 15q24.2.
Variant type: single nucleotide variant.
Coding change: c.2106C>T on transcript NM_001897.5 (MANE Select); coding-DNA position 2106, C replaced by T.
Protein change: p.Arg702=; no amino-acid change (arginine 702 retained).
Molecular consequence: synonymous variant.
Genome position (GRCh38, 1-based): chr15:75,688,959, G>A on the plus strand (C>T on the coding strand, the complement: CSPG4 is on the minus strand). VCF-style: chr15-75688959-G-A. GRCh37 (hg19) VCF-style: chr15-75981300-G-A.
Identifiers: ClinVar variation 2645574 (VCV002645574.24), dbSNP rs144158910, ClinGen allele CA7670418.

ClinVar aggregate classification (germline): Benign (1 of 4 stars; one submission).

Allele frequency attached by ClinVar (database versions not stated): 1000 Genomes Project 0.00539; 1000 Genomes Project 30x 0.00547; ESP Exome Variant Server 0.00716; TOPMed 0.00730; gnomAD 0.00800; gnomAD exomes 0.00813; ExAC 0.00862.
gnomAD v4.1: 13,163 of 1,612,524 alleles (0.82%); highest among the groups gnomAD compares: Middle Eastern, 3.1%; 97 homozygotes.

Submission:

CeGaT Center for Human Genetics Tuebingen
Classification: Benign. Last evaluated: 2023-07-01. Review status: criteria provided, single submitter. Criteria: CeGaT Center For Human Genetics Tuebingen Variant Classification Criteria Version 2. Collection method: clinical testing. Allele origin: germline. Affected: yes. Observed: 1 variant allele.
Comment: CSPG4: BP4, BP7, BS1, BS2